The following is an entry in ClinVar:

ClinVar aggregate classification (germline): Uncertain significance (1 of 4 stars; one submission).

Submission:

Labcorp Genetics (formerly Invitae), Labcorp
Classification: Uncertain significance. Last evaluated: 2023-10-09. Review status: criteria provided, single submitter. Criteria: Invitae Variant Classification Sherloc (09022015). Collection method: clinical testing. Allele origin: germline.
Comment: This sequence change replaces threonine, which is neutral and polar, with asparagine, which is neutral and polar, at codon 1311 of the CELSR2 protein (p.Thr1311Asn). This variant is not present in population databases (gnomAD no frequency). This variant has not been reported in the literature in individuals affected with CELSR2-related conditions. Advanced modeling of protein sequence and biophysical properties (such as structural, functional, and spatial information, amino acid conservation, physicochemical variation, residue mobility, and thermodynamic stability) performed at Invitae indicates that this missense variant is not expected to disrupt CELSR2 protein function. In summary, the available evidence is currently insufficient to determine the role of this variant in disease. Therefore, it has been classified as a Variant of Uncertain Significance.

NM_001408.3(CELSR2):c.3932C>A (p.Thr1311Asn)

Gene: CELSR2 (cadherin EGF LAG seven-pass G-type receptor 2; plus strand). Cytogenetic location: 1p13.3.
Variant type: single nucleotide variant.
Coding change: c.3932C>A on transcript NM_001408.3 (MANE Select); coding-DNA position 3932, C replaced by A.
Protein change: p.Thr1311Asn; replaces threonine 1311 with asparagine.
Molecular consequence: missense variant.
Genome position (GRCh38, 1-based): chr1:109,259,053, C>A. VCF-style: chr1-109259053-C-A. GRCh37 (hg19) VCF-style: chr1-109801675-C-A.
Other names: short protein forms T1311N.
Identifiers: ClinVar variation 2814868 (VCV002814868.3), dbSNP rs2526447584, ClinGen allele CA341495670.